The following is an entry in ClinVar:

ClinVar aggregate classification (germline): Pathogenic (1 of 4 stars; one submission).

Conditions:
Nephronophthisis. Also called: Juvenile Nephronophthisis. Identifiers: Orphanet 655, MedGen C0687120, MONDO:0019005, HP:0000090.

Submission:

Labcorp Genetics (formerly Invitae), Labcorp
Classification: Pathogenic for Nephronophthisis. Last evaluated: 2022-10-07. Review status: criteria provided, single submitter. Criteria: Invitae Variant Classification Sherloc (09022015). Collection method: clinical testing. Allele origin: germline.
Comment: For these reasons, this variant has been classified as Pathogenic. This variant has not been reported in the literature in individuals affected with NPHP4-related conditions. This variant is a gross deletion of the genomic region encompassing exon(s) 19-23 of the NPHP4 gene. This deletion is out-of-frame, and is expected to create a premature termination codon and result in an absent or disrupted protein product. Loss-of-function variants in NPHP4 are known to be pathogenic (PMID: 12205563, 23559409).

Literature cited by the submitters: PubMed 12205563; PubMed 23559409.

NC_000001.10:g.(?_5933292)_(5940319_?)del

Gene: NPHP4 (nephrocystin 4; minus strand). Cytogenetic location: 1p36.31.
Variant type: Deletion.
Identifiers: ClinVar variation 1460374 (VCV001460374.7).